The following is an entry in ClinVar:

NM_020166.5(MCCC1):c.548del (p.Gly183fs)

Gene: MCCC1 (methylcrotonyl-CoA carboxylase subunit 1; minus strand). Cytogenetic location: 3q27.1.
Variant type: Deletion.
Coding change: c.548del on transcript NM_020166.5 (MANE Select); coding-DNA position 548, one base deleted (G; older notation c.548delG).
Protein change: p.Gly183fs; shifts the reading frame from glycine 183.
Molecular consequence: frameshift variant. On other transcripts: non-coding transcript variant (2).
Genome position (GRCh38, 1-based): chr3:183,071,301, C deleted on the plus strand (G on the coding strand, the reverse complement: MCCC1 is on the minus strand); the first of 2 consecutive C bases (chr3:183,071,301-183,071,302); deleting either gives the same sequence. VCF-style (leftmost placement, unchanged base first): chr3-183071300-AC-A. GRCh37 (hg19) VCF-style: chr3-182789088-AC-A.
Other names: c.197del, p.Gly66fs (NM_001293273.2); c.221del, p.Gly74fs (NM_001363880.1); c.548del (NM_020166.4); short protein forms G183fs, G66fs, G74fs.
Identifiers: ClinVar variation 2676451 (VCV002676451.3), dbSNP rs2530363576, ClinGen allele CA2695199334.

ClinVar aggregate classification (germline): Likely pathogenic. Review status: criteria provided, multiple submitters, no conflicts (2 of 4 stars). 2 submissions from 2 submitters: Likely pathogenic (2). Last evaluated 2025-03-31.

Conditions:
3-methylcrotonyl-CoA carboxylase 1 deficiency (MCC1D). Also called: MCCD TYPE 1; METHYLCROTONYLGLYCINURIA TYPE I; MCC 1 deficiency; 3 Alpha methylcrotonylglycinuria 1. Identifiers: Orphanet 6, MedGen CN028786, MONDO:0008861, OMIM 210200.

Submissions (2):

Natera, Inc.
Classification: Likely pathogenic for 3-methylcrotonyl-CoA carboxylase 1 deficiency. Last evaluated: 2025-03-31. Review status: criteria provided, single submitter. Criteria: Natera Variant Classification Schema (03/2026). Collection method: clinical testing. Allele origin: germline.
Comment: The c.548del variant in MCCC1 is a frameshift variant predicted to shift the reading frame beginning at codon 183 and leads to a stop codon 9 codons downstream. This variant is expected to result in nonsense mediated decay, truncation, or a dysfunctional protein product. This variant is rare in the general population with a frequency below the threshold expected for the associated phenotype(s). Given the available evidence, this variant is classified as Likely Pathogenic.

Baylor Genetics
Classification: Likely pathogenic for 3-methylcrotonyl-CoA carboxylase 1 deficiency. Last evaluated: 2023-08-12. Review status: criteria provided, single submitter. Criteria: ACMG Guidelines, 2015. Collection method: clinical testing. Allele origin: unknown.